The following is an entry in ClinVar:

ClinVar aggregate classification (germline): Likely pathogenic (1 of 4 stars; one submission).

Conditions:
Mandibulofacial dysostosis-microcephaly syndrome (MFDGA). Also called: Growth and mental retardation, mandibulofacial dysostosis, microcephaly, and cleft palate; Mandibulofacial dysostosis, Guion-Almeida type. Identifiers: Orphanet 79113, MedGen C1864652, MONDO:0012516, OMIM 610536.

Submission:

Department of Molecular Genetics, Istishari Arab Hospital
Classification: Likely pathogenic for Mandibulofacial dysostosis-microcephaly syndrome. Last evaluated: 2025-08-25. Review status: criteria provided, single submitter. Criteria: ACMG Guidelines, 2015. Collection method: clinical testing. Allele origin: germline. Inheritance: Autosomal dominant inheritance. Affected: yes.
Comment: The EFTUD2 variant c.2642_2643del, p.Phe881Trpfs*3 causes a shift in the reading frame at position 881 which results in termination of the protein 3 positions downstream. The frameshift variant is predicted to result in a loss or disruption of normal protein function through nonsense-mediated decay (NMD) or protein truncation. Multiple pathogenic variants are reported downstream of the variant. It is not observed in the gnomAD v4.1.0 dataset. To the best of our knowledge, this variant was not previously reported in the literature. It is classified as likely pathogenic based on ACMG/AMP/ClinGen SVI guidelines.

NM_004247.4(EFTUD2):c.2642_2643del (p.Phe881fs)

Gene: EFTUD2 (elongation factor Tu GTP binding domain containing 2; minus strand). Cytogenetic location: 17q21.31.
Variant type: Deletion.
Coding change: c.2642_2643del on transcript NM_004247.4 (MANE Select); coding-DNA positions 2642 to 2643, 2 bases deleted (TT; older notation c.2642_2643delTT).
Protein change: p.Phe881fs; shifts the reading frame from phenylalanine 881.
Molecular consequence: frameshift variant.
Genome position (GRCh38, 1-based): chr17:44,852,481-44,852,482, AA deleted on the plus strand (TT on the coding strand, the reverse complement: EFTUD2 is on the minus strand); deleting any 2 consecutive bases within chr17:44,852,481-44,852,484 gives the same sequence; the c. name uses the placement nearest the transcript's 3' end. VCF-style (leftmost placement, unchanged base first): chr17-44852480-CAA-C. GRCh37 (hg19) VCF-style: chr17-42929848-CAA-C.
Other names: p.Phe881Trpfs*3; c.2537_2538del, p.Phe846fs (NM_001142605.2); c.2642_2643del, p.Phe881fs (NM_001258353.2); c.2612_2613del, p.Phe871fs (NM_001258354.2); short protein forms F846fs, F871fs, F881fs.
Identifiers: ClinVar variation 4076150 (VCV004076150.1).